The following is an entry in ClinVar:

ClinVar aggregate classification (germline): Conflicting classifications of pathogenicity. Review status: criteria provided, conflicting classifications (1 of 4 stars). 2 submissions from 2 submitters: Uncertain significance (1); Likely benign (1). Last evaluated 2025-11-17.

Conditions:
Cryopyrin associated periodic syndrome (CAPS). Identifiers: Orphanet 208650, MedGen C2316212, MONDO:0016168.

Allele frequency attached by ClinVar (database versions not stated): gnomAD exomes 0.00001 and 0.00002; ExAC 0.00003; gnomAD 0.00003; TOPMed 0.00003.

Submissions (2):

Labcorp Genetics (formerly Invitae), Labcorp
Classification: Uncertain significance for Cryopyrin associated periodic syndrome. Last evaluated: 2025-11-17. Review status: criteria provided, single submitter. Criteria: Invitae Variant Classification Sherloc (09022015). Collection method: clinical testing. Allele origin: germline.
Comment: This sequence change replaces serine, which is neutral and polar, with leucine, which is neutral and non-polar, at codon 102 of the NLRP3 protein (p.Ser102Leu). This variant is present in population databases (rs776897356, gnomAD 0.04%). This variant has not been reported in the literature in individuals affected with NLRP3-related conditions. ClinVar contains an entry for this variant (Variation ID: 1061267). Invitae Evidence Modeling of protein sequence and biophysical properties (such as structural, functional, and spatial information, amino acid conservation, physicochemical variation, residue mobility, and thermodynamic stability) has been performed for this missense variant. However, the output from this modeling did not meet the statistical confidence thresholds required to predict the impact of this variant on NLRP3 protein function. In summary, the available evidence is currently insufficient to determine the role of this variant in disease. Therefore, it has been classified as a Variant of Uncertain Significance.

GeneDx
Classification: Likely benign. Last evaluated: 2019-06-06. Review status: criteria provided, single submitter. Criteria: GeneDx Variant Classification Process June 2021. Collection method: clinical testing. Allele origin: germline. Affected: yes.
Comment: In silico analysis, which includes protein predictors and evolutionary conservation, supports that this variant does not alter protein structure/function; Has not been previously published as pathogenic or benign to our knowledge

NM_001243133.2(NLRP3):c.299C>T (p.Ser100Leu)

Gene: NLRP3 (NLR family pyrin domain containing 3; plus strand). Cytogenetic location: 1q44.
Variant type: single nucleotide variant.
Coding change: c.299C>T on transcript NM_001243133.2 (MANE Select); coding-DNA position 299, C replaced by T.
Protein change: p.Ser100Leu; replaces serine 100 with leucine.
Molecular consequence: missense variant.
Genome position (GRCh38, 1-based): chr1:247,423,251, C>T. VCF-style: chr1-247423251-C-T. GRCh37 (hg19) VCF-style: chr1-247586553-C-T.
Other names: c.299C>T, p.Ser100Leu (NM_001079821.3, NM_001127461.3, NM_001127462.3 and 1 more transcripts); c.305C>T, p.Ser102Leu (NM_004895.5); short protein forms S100L, S102L.
Identifiers: ClinVar variation 1061267 (VCV001061267.12), dbSNP rs776897356, ClinGen allele CA1494820.
Genomic context (GRCh38, chr1:247,423,251, plus strand): 5'-AATAGTTCTGGGTTTTGACACCTTTTTTTTCCCTTTTAGGTTCAGATAATGCACGTGTTT[C>T]GAATCCCACTGTGATATGCCAGGAAGACAGCATTGAAGAGGAGTGGATGGGTTTACTGGA-3'
Protein context (NP_001230062.1, residues 90-110): PKWGSDNARV[Ser100Leu]NPTVICQEDS